The following is an entry in ClinVar:

NM_021008.4(DEAF1):c.57G>C (p.Val19=)

Gene: DEAF1 (DEAF1 transcription factor; minus strand). Cytogenetic location: 11p15.5.
Variant type: single nucleotide variant.
Coding change: c.57G>C on transcript NM_021008.4 (MANE Select); coding-DNA position 57, G replaced by C.
Protein change: p.Val19=; no amino-acid change (valine 19 retained).
Molecular consequence: synonymous variant. On other transcripts: intron variant (1).
Genome position (GRCh38, 1-based): chr11:694,991, C>G on the plus strand (G>C on the coding strand, the complement: DEAF1 is on the minus strand). VCF-style: chr11-694991-C-G. GRCh37 (hg19) VCF-style: chr11-694991-C-G.
Other names: c.57G>C, p.Val19= (NM_001293634.2); c.-437-3393G>C (NM_001367390.1).
Identifiers: ClinVar variation 3388351 (VCV003388351.15).
Genomic context (GRCh38, chr11:694,991, plus strand): 5'-CTCCTCCGCCTCGCCTCCTGCCGCGGCCGCGGCCGCCGCCGCCACAGCGGCCGCGGCCGC[C>G]ACCGCCGCCGCCTCAGCCAGGCCCAGCTGCTTTGCCGCCGAGTCCGAGTCCTCCATCCGG-3'
Protein context (NP_066288.2, residues 9-29): KQLGLAEAAA[Val19=]AAAAAVAAAA

ClinVar aggregate classification (germline): Likely benign. Review status: criteria provided, multiple submitters, no conflicts (2 of 4 stars). 2 submissions from 2 submitters: Likely benign (2). Last evaluated 2025-12-05.

Submissions (2):

Labcorp Genetics (formerly Invitae), Labcorp
Classification: Likely benign. Last evaluated: 2025-12-05. Review status: criteria provided, single submitter. Criteria: Invitae Variant Classification Sherloc (09022015). Collection method: clinical testing. Allele origin: germline.

CeGaT Center for Human Genetics Tuebingen
Classification: Likely benign. Last evaluated: 2024-10-01. Review status: criteria provided, single submitter. Criteria: CeGaT Center For Human Genetics Tuebingen Variant Classification Criteria Version 2. Collection method: clinical testing. Allele origin: germline. Affected: yes. Observed: 1 variant allele.
Comment: DEAF1: BP4, BP7